The following is an entry in ClinVar:

NM_000256.3(MYBPC3):c.3543A>G (p.Pro1181=)

Gene: MYBPC3 (myosin binding protein C3; minus strand). Cytogenetic location: 11p11.2.
Variant type: single nucleotide variant.
Coding change: c.3543A>G on transcript NM_000256.3 (MANE Select); coding-DNA position 3543, A replaced by G.
Protein change: p.Pro1181=; no amino-acid change (proline 1181 retained).
Molecular consequence: synonymous variant.
Genome position (GRCh38, 1-based): chr11:47,332,650, T>C on the plus strand (A>G on the coding strand, the complement: MYBPC3 is on the minus strand). VCF-style: chr11-47332650-T-C. GRCh37 (hg19) VCF-style: chr11-47354201-T-C.
Identifiers: ClinVar variation 1102909 (VCV001102909.10), dbSNP rs1448642844, ClinGen allele CA474428969.

ClinVar aggregate classification (germline): Likely benign. Review status: criteria provided, multiple submitters, no conflicts (2 of 4 stars). 3 submissions from 3 submitters: Likely benign (3). Last evaluated 2025-02-14.

Conditions:
Cardiomyopathy (CMYO). Also called: Cardiomyopathies. Identifiers: Orphanet 167848, MedGen C0878544, MONDO:0004994, HP:0001638. Inheritance: Various modes of inheritance.
Hypertrophic cardiomyopathy. Also called: HYPERTROPHIC MYOCARDIOPATHY. Identifiers: Orphanet 217569, MedGen C0007194, MeSH D002312, MONDO:0005045, HP:0001639.

Allele frequency attached by ClinVar (database versions not stated): gnomAD exomes below 0.00001; gnomAD 0.00001; TOPMed 0.00001.
gnomAD v4.1: 3 of 1,613,572 alleles (0.00019%); highest among the groups gnomAD compares: African/African-American, 0.004%; no homozygotes.

Submissions (3):

Labcorp Genetics (formerly Invitae), Labcorp
Classification: Likely benign for Hypertrophic cardiomyopathy. Last evaluated: 2025-02-14. Review status: criteria provided, single submitter. Criteria: Invitae Variant Classification Sherloc (09022015). Collection method: clinical testing. Allele origin: germline.

All of Us Research Program, National Institutes of Health
Classification: Likely benign for Hypertrophic cardiomyopathy. Last evaluated: 2024-05-14. Review status: criteria provided, single submitter. Criteria: ACMG Guidelines, 2015. Collection method: clinical testing. Allele origin: germline. Inheritance: Autosomal dominant inheritance. Observed: 1 variant allele, 1 heterozygote.
Comment: This study involves interpretation of variants in research participants for the purpose of population health screening. Participant phenotype was not available at the time of variant classification. Additional details can be found in publication PMID: 35346344, PMCID: PMC8962531

Color Diagnostics, LLC DBA Color Health
Classification: Likely benign for Cardiomyopathy. Last evaluated: 2024-04-24. Review status: criteria provided, single submitter. Criteria: ACMG Guidelines, 2015. Collection method: clinical testing. Allele origin: germline.